The following is an entry in ClinVar:

ClinVar aggregate classification (germline): drug response (1 of 4 stars; one submission).

Conditions:
Doxorubicin response.

Submission:

Applied Bioinformatics Laboratories, New York University School of Medicine
Classification: drug response for Doxorubicin response. Review status: criteria provided, single submitter. Criteria: Submitter's publication. Collection method: research. Allele origin: somatic. Affected: yes.
Comment: Given the lack of response to treatment regimens for histiocytosis/ECD, and clinical behavior similar to an aggressive sarcoma, empiric chemotherapy with doxorubicin 75 mg/m^2/cycle and ifosfamide 9 g/m^2/cycle was initiated (Patel et al. 1998). This treatment led to an exceptional response, with near-disappearance of all PET avid metastatic lesions after two cycles of therapy (Figure 4). After two additional treatment cycles with ifosfamide, involved field external beam radiation therapy was administered to the primary site, with 5,580 cGy given in 31 fractions, and two additional cycles of chemotherapy with ifosfamide and doxorubicin were administered subsequently.

responsive

NM_003537.4(H3C2):c.110A>T (p.Lys37Ile)

Genes: H3C2 (H3 clustered histone 2; minus strand), LOC129996006 (ATAC-STARR-seq lymphoblastoid active region 24179; plus strand). Cytogenetic location: 6p22.2.
Variant type: single nucleotide variant.
Coding change: c.110A>T on transcript NM_003537.4 (MANE Select); coding-DNA position 110, A replaced by T.
Protein change: p.Lys37Ile; replaces lysine 37 with isoleucine.
Molecular consequence: missense variant.
Genome position (GRCh38, 1-based): chr6:26,031,951, T>A on the plus strand (A>T on the coding strand, the complement: H3C2 is on the minus strand). VCF-style: chr6-26031951-T-A. GRCh37 (hg19) VCF-style: chr6-26032179-T-A.
Other names: short protein forms K37I.
Identifiers: ClinVar variation 692151 (VCV000692151.3), dbSNP rs1581633884, ClinGen allele CA363186435.